The following is an entry in ClinVar:

ClinVar aggregate classification (germline): Uncertain significance. Review status: criteria provided, multiple submitters, no conflicts (2 of 4 stars). 2 submissions from 2 submitters: Uncertain significance (2). Last evaluated 2024-06-20.

Conditions:
Osteopetrosis with renal tubular acidosis (OPTB3). Also called: Autosomal recessive osteopetrosis 3. Identifiers: Orphanet 2785, MedGen C0345407, MONDO:0009818, OMIM 259730.

Allele frequency attached by ClinVar (database versions not stated): ESP Exome Variant Server 0.00008; gnomAD 0.00009; TOPMed 0.00009.
gnomAD v4.1: 31 of 1,613,976 alleles (0.0019%); highest among the groups gnomAD compares: African/African-American, 0.017%; no homozygotes.

Submissions (2):

Fulgent Genetics
Classification: Uncertain significance for Osteopetrosis with renal tubular acidosis. Last evaluated: 2024-06-20. Review status: criteria provided, single submitter. Criteria: ACMG Guidelines, 2015. Collection method: clinical testing. Allele origin: germline.

Labcorp Genetics (formerly Invitae), Labcorp
Classification: Uncertain significance. Last evaluated: 2023-07-07. Review status: criteria provided, single submitter. Criteria: Invitae Variant Classification Sherloc (09022015). Collection method: clinical testing. Allele origin: germline.
Comment: This sequence change replaces arginine, which is basic and polar, with cysteine, which is neutral and slightly polar, at codon 181 of the CA2 protein (p.Arg181Cys). This variant is present in population databases (rs377003627, gnomAD 0.02%). This variant has not been reported in the literature in individuals affected with CA2-related conditions. ClinVar contains an entry for this variant (Variation ID: 1393124). Advanced modeling of protein sequence and biophysical properties (such as structural, functional, and spatial information, amino acid conservation, physicochemical variation, residue mobility, and thermodynamic stability) performed at Invitae indicates that this missense variant is not expected to disrupt CA2 protein function. In summary, the available evidence is currently insufficient to determine the role of this variant in disease. Therefore, it has been classified as a Variant of Uncertain Significance.

NM_000067.3(CA2):c.541C>T (p.Arg181Cys)

Gene: CA2 (carbonic anhydrase 2; plus strand). Cytogenetic location: 8q21.2.
Variant type: single nucleotide variant.
Coding change: c.541C>T on transcript NM_000067.3 (MANE Select); coding-DNA position 541, C replaced by T.
Protein change: p.Arg181Cys; replaces arginine 181 with cysteine.
Molecular consequence: missense variant.
Genome position (GRCh38, 1-based): chr8:85,477,153, C>T. VCF-style: chr8-85477153-C-T. GRCh37 (hg19) VCF-style: chr8-86389382-C-T.
Other names: c.238C>T, p.Arg80Cys (NM_001293675.2); short protein forms R181C, R80C.
Identifiers: ClinVar variation 1393124 (VCV001393124.9), dbSNP rs377003627, ClinGen allele CA4796571.